The following is an entry in ClinVar:

ClinVar aggregate classification (germline): Likely benign. Review status: criteria provided, multiple submitters, no conflicts (2 of 4 stars). 2 submissions from 2 submitters: Likely benign (2). Last evaluated 2026-07-20.

Conditions:
VPS13B-related disorder. Also called: VPS13B-related condition.
Cohen syndrome (COH1). Also called: Cutis verticis gyrata, retinitis pigmentosa, and sensorineural deafness; PEPPER SYNDROME. Identifiers: Orphanet 193, MedGen C0265223, MONDO:0008999, OMIM 216550.

Allele frequency attached by ClinVar (database versions not stated): gnomAD exomes 0.00001.
gnomAD v4.1: 10 of 1,612,996 alleles (0.00062%); highest among the groups gnomAD compares: Non-Finnish European, 0.00085%; no homozygotes.

Submissions (2):

PreventionGenetics, part of Exact Sciences
Classification: Likely benign for VPS13B-related condition. Last evaluated: 2026-07-20. Review status: criteria provided, single submitter. Criteria: ACMG Guidelines, 2015. Collection method: clinical testing. Allele origin: germline.
Comment: This variant is classified as likely benign based on ACMG/AMP sequence variant interpretation guidelines (Richards et al. 2015 PMID: 25741868, with internal and published modifications).

Labcorp Genetics (formerly Invitae), Labcorp
Classification: Likely benign for Cohen syndrome. Last evaluated: 2024-09-15. Review status: criteria provided, single submitter. Criteria: Invitae Variant Classification Sherloc (09022015). Collection method: clinical testing. Allele origin: germline.

NM_152564.5(VPS13B):c.6870T>C (p.Ser2290=)

Gene: VPS13B (vacuolar protein sorting 13 homolog B; plus strand). Cytogenetic location: 8q22.2.
Variant type: single nucleotide variant.
Coding change: c.6870T>C on transcript NM_152564.5 (MANE Select); coding-DNA position 6870, T replaced by C.
Protein change: p.Ser2290=; no amino-acid change (serine 2290 retained).
Molecular consequence: synonymous variant.
Genome position (GRCh38, 1-based): chr8:99,720,867, T>C. VCF-style: chr8-99720867-T-C. GRCh37 (hg19) VCF-style: chr8-100733095-T-C.
Other names: c.6870T>C (NM_152564.4); c.6945T>C, p.Ser2315= (NM_017890.5).
Identifiers: ClinVar variation 1552195 (VCV001552195.9), dbSNP rs2130342895, ClinGen allele CA462441299.
Genomic context (GRCh38, chr8:99,720,867, plus strand): 5'-CCCCTTTGTCATGTTCCCCTTTAAATCATACAATTAATTATACTTTTATTTGACAGAATC[T>C]TTGAAATTGCCTGGGGTCTATGAAGTCTTATTTTATAATGAAACTGAAGATTGCCCAGGG-3'
Protein context (NP_689777.3, residues 2280-2300): GLFQYVQDAE[Ser2290=]LKLPGVYEVL